The following is an entry in ClinVar:

ClinVar aggregate classification (germline): Uncertain significance (1 of 4 stars; one submission).

Conditions:
Infantile-onset ascending hereditary spastic paralysis (IAHSP). Also called: Infantile-Onset Ascending Hereditary Spastic Paralysis (IAHSP); Autosomal Recessive Juvenile Amyotrophic Lateral Sclerosis. Identifiers: Orphanet 293168, MedGen C2931441, MONDO:0011797, OMIM 607225. Disease mechanism: loss of function.

Submission:

Labcorp Genetics (formerly Invitae), Labcorp
Classification: Uncertain significance for Infantile-onset ascending hereditary spastic paralysis. Last evaluated: 2022-08-31. Review status: criteria provided, single submitter. Criteria: Invitae Variant Classification Sherloc (09022015). Collection method: clinical testing. Allele origin: germline.
Comment: This sequence change falls in intron 5 of the ALS2 gene. It does not directly change the encoded amino acid sequence of the ALS2 protein. It affects a nucleotide within the consensus splice site. In summary, the available evidence is currently insufficient to determine the role of this variant in disease. Therefore, it has been classified as a Variant of Uncertain Significance. Variants that disrupt the consensus splice site are a relatively common cause of aberrant splicing (PMID: 17576681, 9536098). Algorithms developed to predict the effect of sequence changes on RNA splicing suggest that this variant is not likely to affect RNA splicing. ClinVar contains an entry for this variant (Variation ID: 1468045). This variant has not been reported in the literature in individuals affected with ALS2-related conditions. This variant is not present in population databases (gnomAD no frequency).

Literature cited by the submitters: PubMed 17576681; PubMed 9536098.

NM_020919.4(ALS2):c.1471+3A>G

Gene: ALS2 (alsin Rho guanine nucleotide exchange factor ALS2; minus strand). Cytogenetic location: 2q33.1.
Variant type: single nucleotide variant.
Coding change: c.1471+3A>G on transcript NM_020919.4 (MANE Select); 3 bases into the intron after coding-DNA position 1471, A replaced by G.
Molecular consequence: intron variant.
Genome position (GRCh38, 1-based): chr2:201,757,399, T>C on the plus strand (A>G on the coding strand, the complement: ALS2 is on the minus strand). VCF-style: chr2-201757399-T-C. GRCh37 (hg19) VCF-style: chr2-202622122-T-C.
Identifiers: ClinVar variation 1468045 (VCV001468045.6), dbSNP rs2106079904, ClinGen allele CA2573134346.